The following is an entry in ClinVar:

ClinVar aggregate classification (germline): Conflicting classifications of pathogenicity. Review status: criteria provided, conflicting classifications (1 of 4 stars). 6 submissions from 6 submitters: Uncertain significance (4); Likely benign (2). Last evaluated 2025-12-21.

Conditions:
SMARCAL1-related disorder. Also called: SMARCAL1-related condition.
Schimke immuno-osseous dysplasia (SIOD). Also called: Schimke Immunoosseous Dysplasia. Identifiers: Orphanet 1830, MedGen C0877024, MONDO:0009458, OMIM 242900.

Allele frequency attached by ClinVar (database versions not stated): ExAC 0.00004; gnomAD exomes 0.00005 and 0.00006; ESP Exome Variant Server 0.00015; gnomAD 0.00019 and 0.00022; TOPMed 0.00027.
gnomAD v4.1: 100 of 1,614,036 alleles (0.0062%); highest among the groups gnomAD compares: African/African-American, 0.077%; no homozygotes.

Submissions (6):

Labcorp Genetics (formerly Invitae), Labcorp
Classification: Likely benign for Schimke immuno-osseous dysplasia. Last evaluated: 2025-12-21. Review status: criteria provided, single submitter. Criteria: Invitae Variant Classification Sherloc (09022015). Collection method: clinical testing. Allele origin: germline.

Mayo Clinic Laboratories, Mayo Clinic
Classification: Uncertain significance. Last evaluated: 2025-10-17. Review status: criteria provided, single submitter. Criteria: ACMG Guidelines, 2015. Collection method: clinical testing. Allele origin: germline. Observed: 1 variant allele.
Comment: BP4_moderate

PreventionGenetics, part of Exact Sciences
Classification: Uncertain significance for SMARCAL1-related condition. Last evaluated: 2024-12-12. Review status: criteria provided, single submitter. Criteria: ACMG Guidelines, 2015. Collection method: clinical testing. Allele origin: germline.
Comment: The SMARCAL1 c.1001G>A variant is predicted to result in the amino acid substitution p.Arg334Gln. To our knowledge, this variant has not been reported in the literature. This variant is reported in 0.084% of alleles in individuals of African descent in gnomAD. Although we suspect that this variant may be benign, at this time, the clinical significance of this variant is uncertain due to the absence of conclusive functional and genetic evidence.

Blueprint Genetics
Classification: Likely benign. Last evaluated: 2024-09-23. Review status: criteria provided, single submitter. Criteria: ACMG Guidelines, 2015. Collection method: clinical testing. Allele origin: germline.

Fulgent Genetics
Classification: Uncertain significance for Schimke immuno-osseous dysplasia. Last evaluated: 2018-10-31. Review status: criteria provided, single submitter. Criteria: ACMG Guidelines, 2015. Collection method: clinical testing. Allele origin: unknown.

Eurofins Ntd Llc (ga)
Classification: Uncertain significance. Last evaluated: 2015-07-28. Review status: criteria provided, single submitter. Criteria: EGL Classification Definitions 2015. Collection method: clinical testing. Allele origin: germline. Observed: 1 variant allele, 1 heterozygote.

NM_014140.4(SMARCAL1):c.1001G>A (p.Arg334Gln)

Gene: SMARCAL1 (SNF2 related chromatin remodeling annealing helicase 1; plus strand). Cytogenetic location: 2q35.
Variant type: single nucleotide variant.
Coding change: c.1001G>A on transcript NM_014140.4 (MANE Select); coding-DNA position 1001, G replaced by A.
Protein change: p.Arg334Gln; replaces arginine 334 with glutamine.
Molecular consequence: missense variant.
Genome position (GRCh38, 1-based): chr2:216,420,437, G>A. VCF-style: chr2-216420437-G-A. GRCh37 (hg19) VCF-style: chr2-217285160-G-A.
Other names: p.Arg334Gln; c.1001G>A, p.Arg334Gln (NM_001127207.2); short protein forms R334Q.
Identifiers: ClinVar variation 281779 (VCV000281779.14), dbSNP rs138575228, ClinGen allele CA2097754.